The following is an entry in ClinVar:

ClinVar aggregate classification (germline): Uncertain significance (1 of 4 stars; one submission).

Conditions:
Cardiovascular phenotype. Identifiers: MedGen CN230736.

gnomAD v4.1: 2 of 1,613,754 alleles (0.00012%); highest among the groups gnomAD compares: African/African-American, 0.0027%; no homozygotes.

Submission:

Ambry Genetics
Classification: Uncertain significance for Cardiovascular phenotype. Last evaluated: 2025-07-25. Review status: criteria provided, single submitter. Criteria: Ambry Variant Classification Scheme 2023. Collection method: clinical testing. Allele origin: germline.
Comment: The p.Q104E variant (also known as c.310C>G), located in coding exon 3 of the SPRED1 gene, results from a C to G substitution at nucleotide position 310. The glutamine at codon 104 is replaced by glutamic acid, an amino acid with highly similar properties. This amino acid position is conserved. In addition, this alteration is predicted to be deleterious by in silico analysis. Based on the available evidence, the clinical significance of this variant remains unclear.

NM_152594.3(SPRED1):c.310C>G (p.Gln104Glu)

Gene: SPRED1 (sprouty related EVH1 domain containing 1; plus strand). Cytogenetic location: 15q14.
Variant type: single nucleotide variant.
Coding change: c.310C>G on transcript NM_152594.3 (MANE Select); coding-DNA position 310, C replaced by G.
Protein change: p.Gln104Glu; replaces glutamine 104 with glutamic acid.
Molecular consequence: missense variant.
Genome position (GRCh38, 1-based): chr15:38,322,343, C>G. VCF-style: chr15-38322343-C-G. GRCh37 (hg19) VCF-style: chr15-38614544-C-G.
Other names: short protein forms Q104E.
Identifiers: ClinVar variation 4174037 (VCV004174037.1).